The following is an entry in ClinVar:

NM_001605.3(AARS1):c.53T>A (p.Phe18Tyr)

Gene: AARS1 (alanyl-tRNA synthetase 1; minus strand). Cytogenetic location: 16q22.1.
Variant type: single nucleotide variant.
Coding change: c.53T>A on transcript NM_001605.3 (MANE Select); coding-DNA position 53, T replaced by A.
Protein change: p.Phe18Tyr; replaces phenylalanine 18 with tyrosine.
Molecular consequence: missense variant.
Genome position (GRCh38, 1-based): chr16:70,282,711, A>T on the plus strand (T>A on the coding strand, the complement: AARS1 is on the minus strand). VCF-style: chr16-70282711-A-T. GRCh37 (hg19) VCF-style: chr16-70316614-A-T.
Other names: short protein forms F18Y.
Identifiers: ClinVar variation 3719455 (VCV003719455.2).

ClinVar aggregate classification (germline): Uncertain significance (1 of 4 stars; one submission).

Conditions:
Charcot-Marie-Tooth disease type 2. Also called: Charcot-Marie-Tooth type 2. Identifiers: Orphanet 64746, MedGen C0270914, MONDO:0018993.

Submission:

Labcorp Genetics (formerly Invitae), Labcorp
Classification: Uncertain significance for Charcot-Marie-Tooth disease type 2. Last evaluated: 2024-10-02. Review status: criteria provided, single submitter. Criteria: Invitae Variant Classification Sherloc (09022015). Collection method: clinical testing. Allele origin: germline.
Comment: This sequence change replaces phenylalanine, which is neutral and non-polar, with tyrosine, which is neutral and polar, at codon 18 of the AARS protein (p.Phe18Tyr). This variant is not present in population databases (gnomAD no frequency). This variant has not been reported in the literature in individuals affected with AARS-related conditions. Invitae Evidence Modeling of protein sequence and biophysical properties (such as structural, functional, and spatial information, amino acid conservation, physicochemical variation, residue mobility, and thermodynamic stability) indicates that this missense variant is not expected to disrupt AARS protein function with a negative predictive value of 80%. In summary, the available evidence is currently insufficient to determine the role of this variant in disease. Therefore, it has been classified as a Variant of Uncertain Significance.